The following is an entry in ClinVar:

NM_018900.4(PCDHA1):c.1420A>G (p.Ile474Val)

Genes: PCDHA1 (protocadherin alpha 1; plus strand), PCDHA@ (protocadherin alpha cluster, complex locus; plus strand). Cytogenetic location: 5q31.3.
Variant type: single nucleotide variant.
Coding change: c.1420A>G on transcript NM_018900.4 (MANE Select); coding-DNA position 1420, A replaced by G.
Protein change: p.Ile474Val; replaces isoleucine 474 with valine.
Molecular consequence: missense variant.
Genome position (GRCh38, 1-based): chr5:140,787,710, A>G. VCF-style: chr5-140787710-A-G. GRCh37 (hg19) VCF-style: chr5-140167295-A-G.
Other names: c.1420A>G, p.Ile474Val (NM_031410.3, NM_031411.3); short protein forms I474V.
Identifiers: ClinVar variation 4820821 (VCV004820821.4).
Genomic context (GRCh38, chr5:140,787,710, plus strand): 5'-GCGTTCGCGCAGCCCGAGTACACAGTATTCGTGAAGGAGAACAACCCGCCGGGCTGCCAC[A>G]TCTTCACGGTGTCTGCGCGGGACGCGGACGCGCAGGAGAACGCGCTGGTGTCCTATTCGC-3'
Protein context (NP_061723.1, residues 464-484): VKENNPPGCH[Ile474Val]FTVSARDADA

ClinVar aggregate classification (germline): Likely benign (1 of 4 stars; one submission).

gnomAD v4.1: 3,814 of 1,613,832 alleles (0.24%); highest among the groups gnomAD compares: Middle Eastern, 0.84%; 15 homozygotes.

Submission:

CeGaT Center for Human Genetics Tuebingen
Classification: Likely benign. Last evaluated: 2026-02-01. Review status: criteria provided, single submitter. Criteria: CeGaT Center For Human Genetics Tuebingen Variant Classification Criteria Version 2. Collection method: clinical testing. Allele origin: germline. Affected: yes. Observed: 1 variant allele.
Comment: PCDHA1: BP4, BS2